The following is an entry in ClinVar:

ClinVar aggregate classification (germline): Uncertain significance. Review status: criteria provided, multiple submitters, no conflicts (2 of 4 stars). 3 submissions from 3 submitters: Uncertain significance (3). Last evaluated 2023-04-12.

Conditions:
Nemaline myopathy 2 (NEM2). Also called: Nemaline myopathy 2, autosomal recessive. Identifiers: MedGen C1850569, MONDO:0009725, OMIM 256030.
Arthrogryposis multiplex congenita 6. Identifiers: MedGen C5543431, MONDO:0030281, OMIM 619334.
Inborn genetic diseases. Identifiers: MedGen C0950123, MeSH D030342.

Allele frequency attached by ClinVar (database versions not stated): TOPMed below 0.00001.
gnomAD v4.1: 13 of 1,613,786 alleles (0.00081%); highest among the groups gnomAD compares: Non-Finnish European, 0.0011%; no homozygotes.

Submissions (3):

Ambry Genetics
Classification: Uncertain significance for Inborn genetic diseases. Last evaluated: 2023-04-12. Review status: criteria provided, single submitter. Criteria: Ambry Variant Classification Scheme 2023. Collection method: clinical testing. Allele origin: germline.

Labcorp Genetics (formerly Invitae), Labcorp
Classification: Uncertain significance for Nemaline myopathy 2. Last evaluated: 2022-02-03. Review status: criteria provided, single submitter. Criteria: Invitae Variant Classification Sherloc (09022015). Collection method: clinical testing. Allele origin: germline.
Comment: This sequence change replaces glutamine, which is neutral and polar, with histidine, which is basic and polar, at codon 5759 of the NEB protein (p.Gln5759His). This variant is not present in population databases (gnomAD no frequency). This variant has not been reported in the literature in individuals affected with NEB-related conditions. Algorithms developed to predict the effect of missense changes on protein structure and function are either unavailable or do not agree on the potential impact of this missense change (SIFT: "Deleterious"; PolyPhen-2: "Not Available"; Align-GVGD: "Class C0"). In summary, the available evidence is currently insufficient to determine the role of this variant in disease. Therefore, it has been classified as a Variant of Uncertain Significance.

Department of Pathology and Laboratory Medicine, Sinai Health System
Classification: Uncertain significance for Nemaline myopathy 2; Arthrogryposis multiplex congenita 6. Last evaluated: 2021-08-25. Review status: criteria provided, single submitter. Criteria: ACMG Guidelines, 2015. Collection method: research. Allele origin: germline.

NM_001164508.2(NEB):c.17277G>C (p.Gln5759His)

Gene: NEB (nebulin; minus strand). Cytogenetic location: 2q23.3.
Variant type: single nucleotide variant.
Coding change: c.17277G>C on transcript NM_001164508.2 (MANE Select); coding-DNA position 17277, G replaced by C.
Protein change: p.Gln5759His; replaces glutamine 5759 with histidine.
Molecular consequence: missense variant.
Genome position (GRCh38, 1-based): chr2:151,570,234, C>G on the plus strand (G>C on the coding strand, the complement: NEB is on the minus strand). VCF-style: chr2-151570234-C-G. GRCh37 (hg19) VCF-style: chr2-152426748-C-G.
Other names: c.17277G>C, p.Gln5759His (NM_001164507.2, NM_001271208.2); c.12174G>C, p.Gln4058His (NM_004543.5); c.12174G>C (NM_004543.4); short protein forms Q4058H, Q5759H.
Identifiers: ClinVar variation 2199058 (VCV002199058.4), dbSNP rs2096577720, ClinGen allele CA348807977.